The following is an entry in ClinVar:

ClinVar aggregate classification (germline): Benign (1 of 4 stars; one submission).

Allele frequency attached by ClinVar (database versions not stated): 1000 Genomes Project 30x 0.30278; 1000 Genomes Project 0.30351; gnomAD 0.30933 and 0.31336; TOPMed 0.31197; gnomAD exomes 0.34997.
gnomAD v4.1: 329,472 of 957,616 alleles (34%); highest among the groups gnomAD compares: Admixed American, 44%; 59,395 homozygotes.

Submission:

GeneDx
Classification: Benign. Last evaluated: 2018-06-15. Review status: criteria provided, single submitter. Criteria: GeneDx Variant Classification (06012015). Collection method: clinical testing. Allele origin: germline. Affected: yes.
Comment: This variant is considered likely benign or benign based on one or more of the following criteria: it is a conservative change, it occurs at a poorly conserved position in the protein, it is predicted to be benign by multiple in silico algorithms, and/or has population frequency not consistent with disease.

NM_020975.6(RET):c.337+137G>T

Gene: RET (ret proto-oncogene; plus strand). Cytogenetic location: 10q11.21.
Variant type: single nucleotide variant.
Coding change: c.337+137G>T on transcript NM_020975.6 (MANE Select); 137 bases into the intron after coding-DNA position 337, G replaced by T.
Molecular consequence: intron variant.
Genome position (GRCh38, 1-based): chr10:43,100,859, G>T. VCF-style: chr10-43100859-G-T. GRCh37 (hg19) VCF-style: chr10-43596307-G-T.
Other names: c.337+137G>T (NM_020630.7, NM_001406743.1, NM_001406744.1 and 32 more transcripts); c.74-8172G>T (NM_001406784.1); c.74-11240G>T (NM_001406794.1, NM_001406792.1, NM_001406793.1).
Identifiers: ClinVar variation 677056 (VCV000677056.3), dbSNP rs2505530, ClinGen allele CA13152653.
Genomic context (GRCh38, chr10:43,100,859, plus strand): 5'-CACTGAAGCTTGGCATGGCTTCCCCCCCACCGCTGGTGTGGAAGGCGTCAGGGGTTAAGT[G>T]AGGCTGGCCTGCCTCTGTGTCCAGCCTGGAGAGAAGCCAGGACAAGCTTCAGGGCTGCGT-3'